The following is an entry in ClinVar:

NM_213599.3(ANO5):c.742T>C (p.Ser248Pro)

Gene: ANO5 (anoctamin 5; plus strand). Cytogenetic location: 11p14.3.
Variant type: single nucleotide variant.
Coding change: c.742T>C on transcript NM_213599.3 (MANE Select); coding-DNA position 742, T replaced by C.
Protein change: p.Ser248Pro; replaces serine 248 with proline.
Molecular consequence: missense variant.
Genome position (GRCh38, 1-based): chr11:22,236,256, T>C. VCF-style: chr11-22236256-T-C. GRCh37 (hg19) VCF-style: chr11-22257802-T-C.
Other names: c.739T>C, p.Ser247Pro (NM_001142649.2); c.700T>C, p.Ser234Pro (NM_001410963.1); c.697T>C, p.Ser233Pro (NM_001410964.1); short protein forms S233P, S234P, S248P, S247P.
Identifiers: ClinVar variation 2949277 (VCV002949277.3), dbSNP rs751085690, ClinGen allele CA5923008.
Genomic context (GRCh38, chr11:22,236,256, plus strand): 5'-ATAGAAGATGGGAAGAAAAGGTTTGGGATTGAAAGACTGCTAAACTCTAACACTTACTCA[T>C]CTGCCTATCCACTCCATGATGTATGTATAGGTTTGATTGTGAAAATCTGAGCTTATTTTC-3'
Protein context (NP_998764.1, residues 238-258): ERLLNSNTYS[Ser248Pro]AYPLHDGQYW

ClinVar aggregate classification (germline): Uncertain significance (1 of 4 stars; one submission).

Conditions:
Gnathodiaphyseal dysplasia (GDD). Also called: GNATHODIAPHYSEAL SCLEROSIS; OSTEOGENESIS IMPERFECTA WITH UNUSUAL SKELETAL LESIONS. Identifiers: Orphanet 53697, MedGen C1833736, MONDO:0008151, OMIM 166260.
Autosomal recessive limb-girdle muscular dystrophy type 2L (LGMDR12). Also called: MUSCULAR DYSTROPHY, LIMB-GIRDLE, AUTOSOMAL RECESSIVE 12; Limb-girdle muscular dystrophy, type 2L; Limb-Girdle Muscular Dystrophy R12 Anoctamin-5-Related (LGMD-R12). Identifiers: Orphanet 206549, MedGen C1969785, MONDO:0012652, OMIM 611307.

Allele frequency attached by ClinVar (database versions not stated): gnomAD exomes below 0.00001; ExAC 0.00002.
gnomAD v4.1: 1 of 1,612,258 alleles (0.000062%); highest among the groups gnomAD compares: East Asian, 0.0022%; no homozygotes.

Submission:

Labcorp Genetics (formerly Invitae), Labcorp
Classification: Uncertain significance for Autosomal recessive limb-girdle muscular dystrophy type 2L; Gnathodiaphyseal dysplasia. Last evaluated: 2024-05-23. Review status: criteria provided, single submitter. Criteria: Invitae Variant Classification Sherloc (09022015). Collection method: clinical testing. Allele origin: germline.
Comment: This sequence change replaces serine, which is neutral and polar, with proline, which is neutral and non-polar, at codon 248 of the ANO5 protein (p.Ser248Pro). This variant is present in population databases (rs751085690, gnomAD 0.006%). This variant has not been reported in the literature in individuals affected with ANO5-related conditions. Advanced modeling of protein sequence and biophysical properties (such as structural, functional, and spatial information, amino acid conservation, physicochemical variation, residue mobility, and thermodynamic stability) has been performed at Invitae for this missense variant, however the output from this modeling did not meet the statistical confidence thresholds required to predict the impact of this variant on ANO5 protein function. In summary, the available evidence is currently insufficient to determine the role of this variant in disease. Therefore, it has been classified as a Variant of Uncertain Significance.